The following is an entry in ClinVar:

NM_198291.3(SRC):c.450-8A>T

Gene: SRC (SRC proto-oncogene, non-receptor tyrosine kinase; plus strand). Cytogenetic location: 20q11.23.
Variant type: single nucleotide variant.
Coding change: c.450-8A>T on transcript NM_198291.3 (MANE Select); 8 bases into the intron before coding-DNA position 450, A replaced by T.
Molecular consequence: intron variant.
Genome position (GRCh38, 1-based): chr20:37,394,166, A>T. VCF-style: chr20-37394166-A-T. GRCh37 (hg19) VCF-style: chr20-36022569-A-T.
Other names: c.450-8A>T (NM_005417.5).
Identifiers: ClinVar variation 3352888 (VCV003352888.1).

ClinVar aggregate classification (germline): Likely benign (0 of 4 stars; one submission).

Conditions:
SRC-related disorder. Also called: SRC-related condition.

gnomAD v4.1: 29 of 1,612,696 alleles (0.0018%); highest among the groups gnomAD compares: African/African-American, 0.039%; no homozygotes.

Submission:

PreventionGenetics, part of Exact Sciences
Classification: Likely benign for SRC-related condition. Last evaluated: 2019-05-02. Review status: no assertion criteria provided. Collection method: clinical testing. Allele origin: germline.
Comment: This variant is classified as likely benign based on ACMG/AMP sequence variant interpretation guidelines (Richards et al. 2015 PMID: 25741868, with internal and published modifications).